The following is an entry in ClinVar:

NM_001148.6(ANK2):c.4102G>A (p.Ala1368Thr)

Gene: ANK2 (ankyrin 2; plus strand). Cytogenetic location: 4q26.
Variant type: single nucleotide variant.
Coding change: c.4102G>A on transcript NM_001148.6 (MANE Select); coding-DNA position 4102, G replaced by A.
Protein change: p.Ala1368Thr; replaces alanine 1368 with threonine.
Molecular consequence: missense variant.
Genome position (GRCh38, 1-based): chr4:113,341,896, G>A. VCF-style: chr4-113341896-G-A. GRCh37 (hg19) VCF-style: chr4-114263052-G-A.
Other names: c.4075G>A, p.Ala1359Thr (NM_001127493.3); c.4114G>A, p.Ala1372Thr (NM_001354225.2); c.4003G>A, p.Ala1335Thr (NM_001354228.2, NM_001354258.2); c.4081G>A, p.Ala1361Thr (NM_001354230.2); c.4144G>A, p.Ala1382Thr (NM_001354231.2, NM_001354242.2); c.4138G>A, p.Ala1380Thr (NM_001354232.2); c.4099G>A, p.Ala1367Thr (NM_001354246.2, NM_001354265.2, NM_001354235.2); c.3916G>A, p.Ala1306Thr (NM_001354249.2, NM_001354266.2, NM_001354267.2 and 6 more transcripts); and 31 more; short protein forms A1207T, A1281T, A1302T, A1306T, A1313T, A1316T, A1334T, A1359T.
Identifiers: ClinVar variation 4613584 (VCV004613584.1).
Genomic context (GRCh38, chr4:113,341,896, plus strand): 5'-TGCATGACTGATGATAAAGTGGATAAGACCCTTGAACAACAAGAAAATTTTGCTGAGGTG[G>A]CCAGAAGCAGGGATGTGGAGGTACTGTACCAAAAATAATAATAATAATTTATGCCATGTT-3'
Protein context (NP_001139.3, residues 1358-1378): LEQQENFAEV[Ala1368Thr]RSRDVEVLEG

ClinVar aggregate classification (germline): Uncertain significance (1 of 4 stars; one submission).

Conditions:
Cardiovascular phenotype. Identifiers: MedGen CN230736.

gnomAD v4.1: 2 of 1,613,086 alleles (0.00012%); highest among the groups gnomAD compares: Middle Eastern, 0.016%; no homozygotes.

Submission:

Ambry Genetics
Classification: Uncertain significance for Cardiovascular phenotype. Last evaluated: 2025-11-11. Review status: criteria provided, single submitter. Criteria: Ambry Variant Classification Scheme 2023. Collection method: clinical testing. Allele origin: germline.
Comment: The c.4102G>A (p.A1368T) alteration is located in exon 33 (coding exon 33) of the ANK2 gene. This alteration results from a G to A substitution at nucleotide position 4102, causing the alanine (A) at amino acid position 1368 to be replaced by a threonine (T). Based on data from gnomAD, the A allele has an overall frequency of <0.001% (1/250028) total alleles studied. The highest observed frequency was <0.001% (/) of alleles. Based on insufficient or conflicting evidence, the clinical significance of this alteration remains unclear.